The following is an entry in ClinVar:

NM_001282684.2(KCTD17):c.390+6G>A

Gene: KCTD17 (potassium channel tetramerization domain containing 17; plus strand). Cytogenetic location: 22q12.3.
Variant type: single nucleotide variant.
Coding change: c.390+6G>A on transcript NM_001282684.2 (MANE Select); 6 bases into the intron after coding-DNA position 390, G replaced by A.
Molecular consequence: intron variant.
Genome position (GRCh38, 1-based): chr22:37,056,417, G>A. VCF-style: chr22-37056417-G-A. GRCh37 (hg19) VCF-style: chr22-37452457-G-A.
Other names: c.390+6G>A (NM_024681.4, NM_001282685.2, NM_001282686.2).
Identifiers: ClinVar variation 542657 (VCV000542657.18), dbSNP rs149432408, ClinGen allele CA10215011.

ClinVar aggregate classification (germline): Likely benign. Review status: criteria provided, multiple submitters, no conflicts (2 of 4 stars). 4 submissions from 4 submitters: Likely benign (4). Last evaluated 2026-04-01.

Conditions:
Myoclonic dystonia 26. Identifiers: MedGen C4225341, MONDO:0014620, OMIM 616398.

Allele frequency attached by ClinVar (database versions not stated): 1000 Genomes Project 0.00040; 1000 Genomes Project 30x 0.00047; ExAC 0.00084; ESP Exome Variant Server 0.00085; gnomAD exomes 0.00086 and 0.00173; TOPMed 0.00092; gnomAD 0.00107 and 0.00111.

Submissions (4):

CeGaT Center for Human Genetics Tuebingen
Classification: Likely benign. Last evaluated: 2026-04-01. Review status: criteria provided, single submitter. Criteria: CeGaT Center For Human Genetics Tuebingen Variant Classification Criteria Version 2. Collection method: clinical testing. Allele origin: germline. Affected: yes. Observed: 2 variant alleles.
Comment: KCTD17: BP4, BS1

Labcorp Genetics (formerly Invitae), Labcorp
Classification: Likely benign for Myoclonic dystonia 26. Last evaluated: 2026-01-12. Review status: criteria provided, single submitter. Criteria: Invitae Variant Classification Sherloc (09022015). Collection method: clinical testing. Allele origin: germline.

Blueprint Genetics
Classification: Likely benign. Last evaluated: 2024-11-26. Review status: criteria provided, single submitter. Criteria: ACMG Guidelines, 2015. Collection method: clinical testing. Allele origin: germline.

Breakthrough Genomics
Classification: Likely benign. Review status: criteria provided, single submitter. Criteria: ACMG Guidelines, 2015. Collection method: not provided. Allele origin: germline. Inheritance: Autosomal dominant inheritance. Affected: yes.